The following is an entry in ClinVar:

ClinVar aggregate classification (germline): Uncertain significance. Review status: criteria provided, multiple submitters, no conflicts (2 of 4 stars). 2 submissions from 2 submitters: Uncertain significance (2). Last evaluated 2025-12-22.

Conditions:
Cardiovascular phenotype. Identifiers: MedGen CN230736.
Hereditary cancer-predisposing syndrome. Also called: Neoplastic Syndromes, Hereditary; Hereditary Cancer Syndrome; Tumor predisposition; Hereditary neoplastic syndrome. Identifiers: Orphanet 140162, MedGen C0027672, MeSH D009386, MONDO:0015356.

Allele frequency attached by ClinVar (database versions not stated): gnomAD exomes below 0.00001; TOPMed below 0.00001; gnomAD 0.00001.
gnomAD v4.1: 2 of 1,612,116 alleles (0.00012%); highest among the groups gnomAD compares: Admixed American, 0.0033%; no homozygotes.

Submissions (2):

Labcorp Genetics (formerly Invitae), Labcorp
Classification: Uncertain significance. Last evaluated: 2025-12-22. Review status: criteria provided, single submitter. Criteria: Invitae Variant Classification Sherloc (09022015). Collection method: clinical testing. Allele origin: germline.
Comment: This sequence change replaces leucine, which is neutral and non-polar, with valine, which is neutral and non-polar, at codon 641 of the LZTR1 protein (p.Leu641Val). This variant is present in population databases (no rsID available, gnomAD 0.003%). This variant has not been reported in the literature in individuals affected with LZTR1-related conditions. ClinVar contains an entry for this variant (Variation ID: 2038338). Invitae Evidence Modeling of protein sequence and biophysical properties (such as structural, functional, and spatial information, amino acid conservation, physicochemical variation, residue mobility, and thermodynamic stability) indicates that this missense variant is not expected to disrupt LZTR1 protein function with a negative predictive value of 80%. In summary, the available evidence is currently insufficient to determine the role of this variant in disease. Therefore, it has been classified as a Variant of Uncertain Significance.

Ambry Genetics
Classification: Uncertain significance for Cardiovascular phenotype; Hereditary cancer-predisposing syndrome. Last evaluated: 2025-07-19. Review status: criteria provided, single submitter. Criteria: Ambry Variant Classification Scheme 2023. Collection method: clinical testing. Allele origin: germline.
Comment: The p.L641V variant (also known as c.1921T>G), located in coding exon 16 of the LZTR1 gene, results from a T to G substitution at nucleotide position 1921. The leucine at codon 641 is replaced by valine, an amino acid with highly similar properties. This amino acid position is conserved. In addition, this alteration is predicted to be tolerated by in silico analysis. Based on the available evidence, the clinical significance of this variant remains unclear.

NM_006767.4(LZTR1):c.1921T>G (p.Leu641Val)

Gene: LZTR1 (leucine zipper like post translational regulator 1; plus strand). Cytogenetic location: 22q11.21.
Variant type: single nucleotide variant.
Coding change: c.1921T>G on transcript NM_006767.4 (MANE Select); coding-DNA position 1921, T replaced by G.
Protein change: p.Leu641Val; replaces leucine 641 with valine.
Molecular consequence: missense variant.
Genome position (GRCh38, 1-based): chr22:20,995,005, T>G. VCF-style: chr22-20995005-T-G. GRCh37 (hg19) VCF-style: chr22-21349294-T-G.
Other names: c.1921T>G (NM_006767.3); short protein forms L641V.
Identifiers: ClinVar variation 2038338 (VCV002038338.6), dbSNP rs1221888151, ClinGen allele CA410778729.
Genomic context (GRCh38, chr22:20,995,005, plus strand): 5'-TCCTCTCCACTGATAGTGGAGATTGTGCGGCGGAAGCAGCAGCCGCCCCCTCGCACTCCC[T>G]TGGACCAGCCAGTGGACATTGGTAGGGAGCCCCGTTCCCCTTCCCTGGGGGCTGGGAGGG-3'
Protein context (NP_006758.2, residues 631-651): RKQQPPPRTP[Leu641Val]DQPVDIGTSL